The following is an entry in ClinVar:

NM_080680.3(COL11A2):c.1396G>A (p.Val466Met)

Gene: COL11A2 (collagen type XI alpha 2 chain; minus strand). Cytogenetic location: 6p21.32.
Variant type: single nucleotide variant.
Coding change: c.1396G>A on transcript NM_080680.3 (MANE Select); coding-DNA position 1396, G replaced by A.
Protein change: p.Val466Met; replaces valine 466 with methionine.
Molecular consequence: missense variant.
Genome position (GRCh38, 1-based): chr6:33,179,769, C>T on the plus strand (G>A on the coding strand, the complement: COL11A2 is on the minus strand). VCF-style: chr6-33179769-C-T. GRCh37 (hg19) VCF-style: chr6-33147546-C-T.
Other names: c.1075G>A, p.Val359Met (NM_080679.3); c.1138G>A, p.Val380Met (NM_080681.3); short protein forms V359M, V380M, V466M.
Identifiers: ClinVar variation 1713652 (VCV001713652.6), dbSNP rs2535273589, ClinGen allele CA363606027.

ClinVar aggregate classification (germline): Uncertain significance (1 of 4 stars; one submission).

Allele frequency attached by ClinVar (database versions not stated): gnomAD exomes below 0.00001.
gnomAD v4.1: 3 of 1,612,140 alleles (0.00019%); highest among the groups gnomAD compares: Non-Finnish European, 0.00025%; no homozygotes.

Submission:

Labcorp Genetics (formerly Invitae), Labcorp
Classification: Uncertain significance. Last evaluated: 2022-07-19. Review status: criteria provided, single submitter. Criteria: Invitae Variant Classification Sherloc (09022015). Collection method: clinical testing. Allele origin: germline.
Comment: This sequence change replaces valine, which is neutral and non-polar, with methionine, which is neutral and non-polar, at codon 466 of the COL11A2 protein (p.Val466Met). This variant is not present in population databases (gnomAD no frequency). This variant has not been reported in the literature in individuals affected with COL11A2-related conditions. Advanced modeling of protein sequence and biophysical properties (such as structural, functional, and spatial information, amino acid conservation, physicochemical variation, residue mobility, and thermodynamic stability) performed at Invitae indicates that this missense variant is not expected to disrupt COL11A2 protein function. In summary, the available evidence is currently insufficient to determine the role of this variant in disease. Therefore, it has been classified as a Variant of Uncertain Significance.